The following is an entry in ClinVar:

ClinVar aggregate classification (germline): Uncertain significance (1 of 4 stars; one submission).

Conditions:
Familial thoracic aortic aneurysm and aortic dissection (TAAD). Also called: Thoracic aortic aneurysms and dissections. Identifiers: Orphanet 91387, MedGen C4707243, MONDO:0019625.

Submission:

Color Diagnostics, LLC DBA Color Health
Classification: Uncertain significance for Familial thoracic aortic aneurysm and aortic dissection. Last evaluated: 2019-10-14. Review status: criteria provided, single submitter. Criteria: ACMG Guidelines, 2015. Collection method: clinical testing. Allele origin: germline.
Comment: This variant deletes 1 nucleotide in exon 2 (coding exon 1) of the MYH11 gene, creating a frameshift and premature translation stop signal. This variant is expected to result in an absent or non-functional protein product. Splice site prediction tools suggest that this variant may not impact RNA splicing. To our knowledge, functional studies have not been performed for this variant. This variant has not been reported in individuals affected with cardiovascular disorders in the literature. This variant has not been identified in the general population by the Genome Aggregation Database (gnomAD). Clinical significance of loss-of-function MYH7 truncation variants in cardiovascular disorders is not clearly established. The available evidence is insufficient to determine the role of this variant in disease conclusively. Therefore, this variant is classified as a Variant of Uncertain Significance.

NM_002474.3(MYH11):c.22del (p.Ser8fs)

Gene: MYH11 (myosin heavy chain 11; minus strand). Cytogenetic location: 16p13.11.
Variant type: Deletion.
Coding change: c.22del on transcript NM_002474.3 (MANE Select); coding-DNA position 22, one base deleted (A; older notation c.22delA).
Protein change: p.Ser8fs; shifts the reading frame from serine 8.
Molecular consequence: frameshift variant.
Genome position (GRCh38, 1-based): chr16:15,838,231, T deleted on the plus strand (A on the coding strand, the reverse complement: MYH11 is on the minus strand). VCF-style (leftmost placement, unchanged base first): chr16-15838230-CT-C. GRCh37 (hg19) VCF-style: chr16-15932087-CT-C.
Other names: c.22del, p.Ser8fs (NM_001040113.2, NM_001040114.2, NM_022844.3); short protein forms S8fs.
Identifiers: ClinVar variation 928428 (VCV000928428.3), dbSNP rs2043958603, ClinGen allele CA1139664562.